The following is an entry in ClinVar:

ClinVar aggregate classification (germline): Uncertain significance (1 of 4 stars; one submission).

Conditions:
Cardiomyopathy (CMYO). Also called: Cardiomyopathies. Identifiers: Orphanet 167848, MedGen C0878544, MONDO:0004994, HP:0001638. Inheritance: Various modes of inheritance.

Submission:

All of Us Research Program, National Institutes of Health
Classification: Uncertain significance for Cardiomyopathy. Last evaluated: 2024-09-17. Review status: criteria provided, single submitter. Criteria: ACMG Guidelines, 2015. Collection method: clinical testing. Allele origin: germline. Inheritance: Autosomal dominant inheritance. Observed: 1 variant allele, 1 heterozygote.
Comment: This study involves interpretation of variants in research participants for the purpose of population health screening. Participant phenotype was not available at the time of variant classification. Additional details can be found in publication PMID: 35346344, PMCID: PMC8962531

NM_000257.4(MYH7):c.4526T>C (p.Ile1509Thr)

Genes: MHRT (myosin heavy chain associated RNA transcript; plus strand), MYH7 (myosin heavy chain 7; minus strand). Cytogenetic location: 14q11.2.
Variant type: single nucleotide variant.
Coding change: c.4526T>C on transcript NM_000257.4 (MANE Select); coding-DNA position 4526, T replaced by C.
Protein change: p.Ile1509Thr; replaces isoleucine 1509 with threonine.
Molecular consequence: missense variant. On other transcripts: non-coding transcript variant (1).
Genome position (GRCh38, 1-based): chr14:23,416,986, A>G on the plus strand (T>C on the coding strand, the complement: MYH7 is on the minus strand). VCF-style: chr14-23416986-A-G. GRCh37 (hg19) VCF-style: chr14-23886195-A-G.
Other names: c.4526T>C, p.Ile1509Thr (NM_001407004.1); short protein forms I1509T.
Identifiers: ClinVar variation 3387292 (VCV003387292.1).